The following is an entry in ClinVar:

NM_000059.4(BRCA2):c.9006A>T (p.Glu3002Asp)

Gene: BRCA2 (BRCA2 DNA repair associated; plus strand). Cytogenetic location: 13q13.1.
Variant type: single nucleotide variant.
Coding change: c.9006A>T on transcript NM_000059.4 (MANE Select); coding-DNA position 9006, A replaced by T.
Protein change: p.Glu3002Asp; replaces glutamic acid 3002 with aspartic acid.
Molecular consequence: missense variant.
Genome position (GRCh38, 1-based): chr13:32,379,802, A>T. VCF-style: chr13-32379802-A-T. GRCh37 (hg19) VCF-style: chr13-32953939-A-T.
Other names: p.E3002D:GAA>GAT; 9234A>T; short protein forms E3002D.
Identifiers: ClinVar variation 52725 (VCV000052725.23), dbSNP rs80359153, ClinGen allele CA025921.

ClinVar aggregate classification (germline): Conflicting classifications of pathogenicity. Review status: criteria provided, conflicting classifications (1 of 4 stars). 11 submissions from 11 submitters: Uncertain significance (4); Likely benign (4). 3 of the submissions do not count toward it. Last evaluated 2025-11-24.

Conditions:
Pancreatic cancer, susceptibility to, 2. Identifiers: Orphanet 1333, MedGen C3150546, MONDO:0013235, OMIM 613347.
Glioma susceptibility 3 (GLM3). Also called: Glioblastoma 3. Identifiers: Orphanet 182067, Orphanet 360, MedGen C2751641, MONDO:0013093, OMIM 613029.
Familial prostate cancer. Also called: Hereditary Prostate Cancer. Identifiers: MedGen C2931456, MONDO:0700275, OMIM 176807.
Breast-ovarian cancer, familial, susceptibility to, 2 (BROVCA2). Also called: BRCA2 Hereditary Breast and Ovarian Cancer. Identifiers: Orphanet 145, MedGen C2675520, MONDO:0012933, OMIM 612555. Disease mechanism: loss of function.
Fanconi anemia complementation group D1. Also called: BRCA2-Related Fanconi Anemia. Identifiers: Orphanet 319462, MedGen C1838457, MONDO:0011584, OMIM 605724.
Medulloblastoma (MDB). Also called: Medulloblastoma, somatic; MEDULLOBLASTOMA PREDISPOSITION SYNDROME. Identifiers: Orphanet 616, MedGen C0025149, MeSH D008527, MONDO:0007959, OMIM 155255, HP:0002885.
Wilms tumor 1 (WT1). Also called: Wilms tumor, somatic. Identifiers: Orphanet 654, MedGen CN033288, MONDO:0008679, OMIM 194070.
Familial cancer of breast. Also called: BREAST CANCER, FAMILIAL; hereditary breast carcinoma; Hereditary breast cancer. Identifiers: Orphanet 227535, MedGen C0346153, MONDO:0016419, OMIM 114480. Disease mechanism: loss of function.
Hereditary cancer-predisposing syndrome. Also called: Neoplastic Syndromes, Hereditary; Tumor predisposition; Hereditary Cancer Syndrome; Hereditary neoplastic syndrome. Identifiers: Orphanet 140162, MedGen C0027672, MeSH D009386, MONDO:0015356.
Hereditary breast ovarian cancer syndrome. Also called: Breast and ovarian cancer; Hereditary breast and ovarian cancer; Hereditary breast and ovarian cancer syndrome (HBOC); Hereditary breast and ovarian cancer syndrome; BRCA1- and BRCA2-Associated Hereditary Breast and Ovarian Cancer; Hereditary breast and/or ovarian cancer syndrome. Identifiers: Orphanet 145, MedGen C0677776, MeSH D061325, MONDO:0003582. Disease mechanism: loss of function.

Allele frequency attached by ClinVar (database versions not stated): gnomAD exomes below 0.00001.
gnomAD v4.1: 6 of 1,612,386 alleles (0.00037%); highest among the groups gnomAD compares: Non-Finnish European, 0.00042%; no homozygotes.

Submissions (11):

Labcorp Genetics (formerly Invitae), Labcorp
Classification: Likely benign for Hereditary breast ovarian cancer syndrome. Last evaluated: 2025-11-24. Review status: criteria provided, single submitter. Criteria: Invitae Variant Classification Sherloc (09022015). Collection method: clinical testing. Allele origin: germline.

Quest Diagnostics Nichols Institute San Juan Capistrano
Classification: Uncertain significance. Last evaluated: 2024-09-26. Review status: criteria provided, single submitter. Criteria: Quest Diagnostics criteria. Collection method: clinical testing. Allele origin: unknown.
Comment: The BRCA2 c.9006A>T (p.Glu3002Asp) variant has been reported in the published literature in functional studies suggesting that the variant is not damaging to protein expression or function PMIDs: 29884841 (2019), 23108138 (2013)). Additionally, the variant was reported in a study using protein likelihood ratio modeling (PMID: 19043619 (2008)). This variant has not been reported in large, multi-ethnic general populations (Genome Aggregation Database). Analysis of this variant using bioinformatics tools for the prediction of the effect of amino acid changes on protein structure and function yielded conflicting predictions that this variant is benign or damaging. Based on the available information, we are unable to determine the clinical significance of this variant.

Fulgent Genetics
Classification: Likely benign for Familial cancer of breast; Medulloblastoma; Familial prostate cancer; Wilms tumor 1; Fanconi anemia complementation group D1; Breast-ovarian cancer, familial, susceptibility to, 2; Glioma susceptibility 3; Pancreatic cancer, susceptibility to, 2. Last evaluated: 2024-04-23. Review status: criteria provided, single submitter. Criteria: ACMG Guidelines, 2015. Collection method: clinical testing. Allele origin: germline.

Blueprint Genetics
Classification: Uncertain significance. Last evaluated: 2020-09-15. Review status: criteria provided, single submitter. Criteria: ACMG Guidelines, 2015. Collection method: clinical testing. Allele origin: germline.

Ambry Genetics
Classification: Likely benign for Hereditary cancer-predisposing syndrome. Last evaluated: 2020-01-23. Review status: criteria provided, single submitter. Criteria: Ambry Variant Classification Scheme 2023. Collection method: clinical testing. Allele origin: germline.

GeneDx
Classification: Uncertain significance. Last evaluated: 2017-10-16. Review status: criteria provided, single submitter. Criteria: GeneDx Variant Classification (06012015). Collection method: clinical testing. Allele origin: germline. Affected: yes.
Comment: This variant is denoted BRCA2 c.9006A>T at the cDNA level, p.Glu3002Asp (E3002D) at the protein level, and results in the change of a Glutamic Acid to an Aspartic Acid (GAA>GAT). Using alternate nomenclature, this variant would be defined as BRCA2 9234A>T. This variant has been reported to disrupt an exonic splicing enhancer (ESE) and to strengthen a cryptic acceptor site that is 51 nucleotides downstream of the canonical acceptor site, resulting in the production of both the canonical transcript (69%) as well as aberrant transcripts (31%) (Acedo 2012). Fackenthal et al. (2016) demonstrated that use of this cryptic acceptor site may be a naturally occurring transcript, observed at minor frequencies. BRCA2 Glu3002Asp was shown to have mild to moderate effects on BRCA2 and Filamin A interaction, cellular multinucleation, unresolved cytoplasmic bridges, and homology-directed DNA break repair (HDR) activity; a multifactorial likelihood model calculated its probability of neutrality as 0.94 (Mondal 2012, Guidugli 2013). BRCA2 Glu3002Asp was not observed in large population cohorts (Lek 2016). Since Glutamic Acid and Aspartic Acid share similar properties, this is considered a conservative amino acid substitution. BRCA2 Glu3002Asp occurs at a position that is conserved across species and is located in the DNA binding domain (Borg 2010). In silico analyses predict that this variant is probably damaging to protein structure and function. Based on currently available information and internal data, it is unclear whether BRCA2 Glu3002Asp is a pathogenic or benign variant. We consider it to be a variant of uncertain significance.

Color Diagnostics, LLC DBA Color Health
Classification: Likely benign for Hereditary cancer-predisposing syndrome. Last evaluated: 2017-09-27. Review status: criteria provided, single submitter. Criteria: ACMG Guidelines, 2015. Collection method: clinical testing. Allele origin: germline.

CSER _CC_NCGL, University of Washington
Classification: Uncertain significance for Hereditary Breast and Ovarian Cancer Syndrome. Last evaluated: 2015-03-11. Review status: criteria provided, single submitter. Criteria: Amendola et al. (Genome Res. 2015). Collection method: research. Allele origin: germline. Inheritance: Autosomal dominant inheritance. Study: CSER - NEXT Medicine variant annotation.

Department of Medical and Surgical Sciences, University of Bologna
Classification: Uncertain significance for Breast-ovarian cancer, familial, susceptibility to, 2. Last evaluated: 2023-09-01. Review status: no assertion criteria provided. Collection method: clinical testing. Allele origin: germline. Affected: yes. Not counted in ClinVar's aggregate classification.
Comment: PM2(Supporting)+PP3(Supporting)+BP5(Supporting) according to ACMG/AMP classification guidelines specified for BRCA1 & BRCA2 (Classification Criteria V1.0.0 2023-09-08) (PMID: 38160042)

Sharing Clinical Reports Project (SCRP)
Classification: Likely benign for Breast-ovarian cancer, familial 2. Last evaluated: 2012-07-13. Review status: no assertion criteria provided. Collection method: clinical testing. Allele origin: germline. Not counted in ClinVar's aggregate classification.

Breast Cancer Information Core (BIC) (BRCA2)
Classification: Uncertain significance for Breast-ovarian cancer, familial 2. Last evaluated: 2002-05-29. Review status: no assertion criteria provided. Collection method: clinical testing. Allele origin: germline. Affected: yes. Observed: 2 variant alleles. Not counted in ClinVar's aggregate classification.

Literature cited by the submitters: PubMed 29884841 (cited by Quest Diagnostics Nichols Institute San Juan Capistrano and Ambry Genetics); PubMed 19043619 (cited by Quest Diagnostics Nichols Institute San Juan Capistrano); PubMed 22632462 (cited by Quest Diagnostics Nichols Institute San Juan Capistrano and Ambry Genetics); PubMed 23108138 (cited by Quest Diagnostics Nichols Institute San Juan Capistrano); PubMed 22771033 (cited by Quest Diagnostics Nichols Institute San Juan Capistrano); PubMed 22228431 (cited by Ambry Genetics).